The following is an entry in ClinVar:

NM_000065.5(C6):c.2370A>C (p.Glu790Asp)

Gene: C6 (complement C6; minus strand). Cytogenetic location: 5p13.1.
Variant type: single nucleotide variant.
Coding change: c.2370A>C on transcript NM_000065.5 (MANE Select); coding-DNA position 2370, A replaced by C.
Protein change: p.Glu790Asp; replaces glutamic acid 790 with aspartic acid.
Molecular consequence: missense variant.
Genome position (GRCh38, 1-based): chr5:41,149,946, T>G on the plus strand (A>C on the coding strand, the complement: C6 is on the minus strand). VCF-style: chr5-41149946-T-G. GRCh37 (hg19) VCF-style: chr5-41150048-T-G.
Other names: c.2370A>C, p.Glu790Asp (NM_001115131.4); short protein forms E790D.
Identifiers: ClinVar variation 2151999 (VCV002151999.2), dbSNP rs1462321446, ClinGen allele CA359594007.
Genomic context (GRCh38, chr5:41,149,946, plus strand): 5'-TAGACTGGTTTTCCCAATTTCCAGACACAGTCTGTAGGGTATCTCTTACCTACAGTCTTC[T>G]TCTGGAGACATACAAATGCATTCAGATCCTGATTGTTTCTGTCCCAGCTGACAATGGCCT-3'
Protein context (NP_000056.2, residues 780-800): SGSECICMSP[Glu790Asp]EDCSHHSEDL

ClinVar aggregate classification (germline): Uncertain significance (1 of 4 stars; one submission).

Allele frequency attached by ClinVar (database versions not stated): gnomAD exomes below 0.00001.
gnomAD v4.1: 3 of 1,609,654 alleles (0.00019%); highest among the groups gnomAD compares: African/African-American, 0.0013%; no homozygotes.

Submission:

Labcorp Genetics (formerly Invitae), Labcorp
Classification: Uncertain significance. Last evaluated: 2022-07-11. Review status: criteria provided, single submitter. Criteria: Invitae Variant Classification Sherloc (09022015). Collection method: clinical testing. Allele origin: germline.
Comment: This sequence change replaces glutamic acid, which is acidic and polar, with aspartic acid, which is acidic and polar, at codon 790 of the C6 protein (p.Glu790Asp). In summary, the available evidence is currently insufficient to determine the role of this variant in disease. Therefore, it has been classified as a Variant of Uncertain Significance. Algorithms developed to predict the effect of missense changes on protein structure and function are either unavailable or do not agree on the potential impact of this missense change (SIFT: "Deleterious"; PolyPhen-2: "Benign"; Align-GVGD: "Class C0"). This variant has not been reported in the literature in individuals affected with C6-related conditions. This variant is not present in population databases (gnomAD no frequency).